The following is an entry in ClinVar:

NM_000368.5(TSC1):c.1861A>C (p.Ile621Leu)

Gene: TSC1 (TSC complex subunit 1; minus strand). Cytogenetic location: 9q34.13.
Variant type: single nucleotide variant.
Coding change: c.1861A>C on transcript NM_000368.5 (MANE Select); coding-DNA position 1861, A replaced by C.
Protein change: p.Ile621Leu; replaces isoleucine 621 with leucine.
Molecular consequence: missense variant. On other transcripts: non-coding transcript variant (5).
Genome position (GRCh38, 1-based): chr9:132,905,717, T>G on the plus strand (A>C on the coding strand, the complement: TSC1 is on the minus strand). VCF-style: chr9-132905717-T-G. GRCh37 (hg19) VCF-style: chr9-135781104-T-G.
Other names: c.1858A>C, p.Ile620Leu (NM_001162426.2, NM_001406597.1, NM_001406598.1 and 6 more transcripts); c.1708A>C, p.Ile570Leu (NM_001162427.2, NM_001406610.1); c.1498A>C, p.Ile500Leu (NM_001362177.2, NM_001406614.1, NM_001406615.1 and 5 more transcripts); c.1861A>C, p.Ile621Leu (NM_001406592.1, NM_001406593.1, NM_001406594.1 and 7 more transcripts); c.1705A>C, p.Ile569Leu (NM_001406611.1, NM_001406612.1, NM_001406613.1); c.907A>C, p.Ile303Leu (NM_001406628.1, NM_001406627.1); c.808A>C, p.Ile270Leu (NM_001406629.1, NM_001406630.1); c.1495A>C, p.Ile499Leu (NM_001406620.1, NM_001406621.1, NM_001406622.1 and 2 more transcripts); and 1 more; short protein forms I270L, I303L, I304L, I499L, I500L, I569L, I570L, I620L.
Identifiers: ClinVar variation 3379160 (VCV003379160.2).

ClinVar aggregate classification (germline): Conflicting classifications of pathogenicity. Review status: criteria provided, conflicting classifications (1 of 4 stars). 2 submissions from 2 submitters: Uncertain significance (1); Likely benign (1). Last evaluated 2025-06-26.

Conditions:
Hereditary cancer-predisposing syndrome. Also called: Hereditary Cancer Syndrome; Tumor predisposition; Hereditary neoplastic syndrome; Neoplastic Syndromes, Hereditary. Identifiers: Orphanet 140162, MedGen C0027672, MeSH D009386, MONDO:0015356.
Tuberous sclerosis 1 (TSC1). Identifiers: Orphanet 805, MedGen C1854465, MONDO:0008612, OMIM 191100.

Submissions (2):

Ambry Genetics
Classification: Uncertain significance for Hereditary cancer-predisposing syndrome. Last evaluated: 2025-06-26. Review status: criteria provided, single submitter. Criteria: Ambry Variant Classification Scheme 2023. Collection method: clinical testing. Allele origin: germline.
Comment: The p.I621L variant (also known as c.1861A>C), located in coding exon 13 of the TSC1 gene, results from an A to C substitution at nucleotide position 1861. The isoleucine at codon 621 is replaced by leucine, an amino acid with highly similar properties. This amino acid position is conserved. In addition, this alteration is predicted to be tolerated by in silico analysis. Based on the available evidence, the clinical significance of this variant remains unclear.

Myriad Genetics, Inc.
Classification: Likely benign for Tuberous sclerosis 1. Last evaluated: 2024-08-09. Review status: criteria provided, single submitter. Criteria: Myriad Autosomal Dominant, Autosomal Recessive and X-Linked Classification Criteria (2023). Collection method: clinical testing. Allele origin: unknown.
Comment: This variant is considered likely benign. This variant has been observed at a population frequency that is significantly greater than expected given the associated disease prevalence and penetrance.